The following is an entry in ClinVar:

ClinVar aggregate classification (germline): Likely benign. Review status: criteria provided, single submitter (1 of 4 stars). 4 submissions from 4 submitters: Likely benign (1). 3 of the submissions do not count toward it. Last evaluated 2024-09-17.

Conditions:
SYNE1-related disorder. Also called: SYNE1-related disorders; SYNE1-related disease; SYNE1-related condition.
Autosomal recessive ataxia, Beauce type. Also called: Spinocerebellar ataxia, autosomal recessive 8; SYNE1 Deficiency; SYNE1-Related Autosomal Recessive Cerebellar Ataxia; ATAXIA, RECESSIVE, OF BEAUCE. Identifiers: Orphanet 88644, MedGen C1853116, MONDO:0012549, OMIM 610743.
Emery-Dreifuss muscular dystrophy 4, autosomal dominant (EDMD4). Also called: EMERY-DREIFUSS MUSCULAR DYSTROPHY 4 WITH VARIABLE FEATURES. Identifiers: Orphanet 261, MedGen C2751807, MONDO:0013071, OMIM 612998.

Allele frequency attached by ClinVar (database versions not stated): gnomAD exomes 0.00006 and 0.00014; ExAC 0.00018; ESP Exome Variant Server 0.00038; gnomAD 0.00053 and 0.00055; TOPMed 0.00056; 1000 Genomes Project 0.00100; 1000 Genomes Project 30x 0.00109.
gnomAD v4.1: 189 of 1,613,464 alleles (0.012%); highest among the groups gnomAD compares: African/African-American, 0.19%; 1 homozygote.

Submissions (4):

Labcorp Genetics (formerly Invitae), Labcorp
Classification: Likely benign for Emery-Dreifuss muscular dystrophy 4, autosomal dominant; Autosomal recessive ataxia, Beauce type. Last evaluated: 2024-09-17. Review status: criteria provided, single submitter. Criteria: Invitae Variant Classification Sherloc (09022015). Collection method: clinical testing. Allele origin: germline.

PreventionGenetics, part of Exact Sciences
Classification: Likely benign for SYNE1-related condition. Last evaluated: 2024-04-02. Review status: no assertion criteria provided. Collection method: clinical testing. Allele origin: germline. Not counted in ClinVar's aggregate classification.
Comment: This variant is classified as likely benign based on ACMG/AMP sequence variant interpretation guidelines (Richards et al. 2015 PMID: 25741868, with internal and published modifications).

Clinical Genetics DNA and cytogenetics Diagnostics Lab, Erasmus MC, Erasmus Medical Center
Classification: Likely benign. Review status: no assertion criteria provided. Collection method: clinical testing. Allele origin: germline. Affected: yes. Study: VKGL Data-share Consensus. Not counted in ClinVar's aggregate classification.

Laboratory of Diagnostic Genome Analysis, Leiden University Medical Center (LUMC)
Classification: Likely benign. Review status: no assertion criteria provided. Collection method: clinical testing. Allele origin: germline. Affected: yes. Study: VKGL Data-share Consensus. Not counted in ClinVar's aggregate classification.

NM_182961.4(SYNE1):c.26001+8A>C

Gene: SYNE1 (spectrin repeat containing nuclear envelope protein 1; minus strand). Cytogenetic location: 6q25.2.
Variant type: single nucleotide variant.
Coding change: c.26001+8A>C on transcript NM_182961.4 (MANE Select); 8 bases into the intron after coding-DNA position 26001, A replaced by C.
Molecular consequence: intron variant.
Genome position (GRCh38, 1-based): chr6:152,133,268, T>G on the plus strand (A>C on the coding strand, the complement: SYNE1 is on the minus strand). VCF-style: chr6-152133268-T-G. GRCh37 (hg19) VCF-style: chr6-152454403-T-G.
Other names: c.25857+8A>C (NM_033071.5); c.2607+8A>C (NM_001347701.2); c.2535+8A>C (NM_001347702.2).
Identifiers: ClinVar variation 714296 (VCV000714296.10), dbSNP rs145939118, ClinGen allele CA4052703.